The following is an entry in ClinVar:

ClinVar aggregate classification (germline): Uncertain significance (1 of 4 stars; one submission).

gnomAD v4.1: 1 of 1,614,162 alleles (0.000062%); no homozygotes.

Submission:

Labcorp Genetics (formerly Invitae), Labcorp
Classification: Uncertain significance. Last evaluated: 2022-07-18. Review status: criteria provided, single submitter. Criteria: Invitae Variant Classification Sherloc (09022015). Collection method: clinical testing. Allele origin: germline.
Comment: In summary, the available evidence is currently insufficient to determine the role of this variant in disease. Therefore, it has been classified as a Variant of Uncertain Significance. Algorithms developed to predict the effect of missense changes on protein structure and function output the following: SIFT: "Tolerated"; PolyPhen-2: "Benign"; Align-GVGD: "Class C0". The asparagine amino acid residue is found in multiple mammalian species, which suggests that this missense change does not adversely affect protein function. ClinVar contains an entry for this variant (Variation ID: 1440862). This variant has not been reported in the literature in individuals affected with PARS2-related conditions. This variant is not present in population databases (gnomAD no frequency). This sequence change replaces serine, which is neutral and polar, with asparagine, which is neutral and polar, at codon 224 of the PARS2 protein (p.Ser224Asn).

NM_152268.4(PARS2):c.671G>A (p.Ser224Asn)

Gene: PARS2 (prolyl-tRNA synthetase 2, mitochondrial; minus strand). Cytogenetic location: 1p32.3.
Variant type: single nucleotide variant.
Coding change: c.671G>A on transcript NM_152268.4 (MANE Select); coding-DNA position 671, G replaced by A.
Protein change: p.Ser224Asn; replaces serine 224 with asparagine.
Molecular consequence: missense variant.
Genome position (GRCh38, 1-based): chr1:54,758,491, C>T on the plus strand (G>A on the coding strand, the complement: PARS2 is on the minus strand). VCF-style: chr1-54758491-C-T. GRCh37 (hg19) VCF-style: chr1-55224164-C-T.
Other names: short protein forms S224N.
Identifiers: ClinVar variation 1440862 (VCV001440862.6), dbSNP rs2101407241, ClinGen allele CA340463279.
Genomic context (GRCh38, chr1:54,758,491, plus strand): 5'-ACCTTGACAAATGGCAGCCCTAGCTTGTTGAACAGGCTGCAGTAGGCATCACACACCAGG[C>T]TGTAGGTCTGCTGGGCAGCCTCTGGGGAGGAGTCAAAGGTGTACATATCCTTCATGTAAA-3'
Protein context (NP_689481.2, residues 214-234): SSPEAAQQTY[Ser224Asn]LVCDAYCSLF